The following is an entry in ClinVar:

ClinVar aggregate classification (germline): Uncertain significance (1 of 4 stars; one submission).

Conditions:
Aortic valve disease 2 (AOVD2). Identifiers: MedGen C3542024, MONDO:0013902, OMIM 614823.

gnomAD v4.1: 4 of 1,609,022 alleles (0.00025%); highest among the groups gnomAD compares: Non-Finnish European, 0.00034%; no homozygotes.

Submission:

Labcorp Genetics (formerly Invitae), Labcorp
Classification: Uncertain significance for Aortic valve disease 2. Last evaluated: 2022-11-14. Review status: criteria provided, single submitter. Criteria: Invitae Variant Classification Sherloc (09022015). Collection method: clinical testing. Allele origin: germline.
Comment: This variant has not been reported in the literature in individuals affected with SMAD6-related conditions. Advanced modeling of protein sequence and biophysical properties (such as structural, functional, and spatial information, amino acid conservation, physicochemical variation, residue mobility, and thermodynamic stability) performed at Invitae indicates that this missense variant is not expected to disrupt SMAD6 protein function. In summary, the available evidence is currently insufficient to determine the role of this variant in disease. Therefore, it has been classified as a Variant of Uncertain Significance. This variant is not present in population databases (gnomAD no frequency). This sequence change replaces leucine, which is neutral and non-polar, with valine, which is neutral and non-polar, at codon 360 of the SMAD6 protein (p.Leu360Val).

NM_005585.5(SMAD6):c.1078C>G (p.Leu360Val)

Gene: SMAD6 (SMAD family member 6; plus strand). Cytogenetic location: 15q22.31.
Variant type: single nucleotide variant.
Coding change: c.1078C>G on transcript NM_005585.5 (MANE Select); coding-DNA position 1078, C replaced by G.
Protein change: p.Leu360Val; replaces leucine 360 with valine.
Molecular consequence: missense variant. On other transcripts: non-coding transcript variant (1).
Genome position (GRCh38, 1-based): chr15:66,781,122, C>G. VCF-style: chr15-66781122-C-G. GRCh37 (hg19) VCF-style: chr15-67073460-C-G.
Other names: short protein forms L360V.
Identifiers: ClinVar variation 2913986 (VCV002913986.3), dbSNP rs1894556175, ClinGen allele CA393201815.